The following is an entry in ClinVar:

ClinVar aggregate classification (germline): Uncertain significance. Review status: criteria provided, multiple submitters, no conflicts (2 of 4 stars). 2 submissions from 2 submitters: Uncertain significance (2). Last evaluated 2023-12-08.

Submissions (2):

GeneDx
Classification: Uncertain significance. Last evaluated: 2023-12-08. Review status: criteria provided, single submitter. Criteria: GeneDx Variant Classification Process June 2021. Collection method: clinical testing. Allele origin: germline. Affected: yes.
Comment: Not observed at significant frequency in large population cohorts (gnomAD); In silico analysis supports that this missense variant has a deleterious effect on protein structure/function; Has not been previously published as pathogenic or benign to our knowledge

Labcorp Genetics (formerly Invitae), Labcorp
Classification: Uncertain significance. Last evaluated: 2022-08-04. Review status: criteria provided, single submitter. Criteria: Invitae Variant Classification Sherloc (09022015). Collection method: clinical testing. Allele origin: germline.
Comment: This variant has not been reported in the literature in individuals affected with CLTC-related conditions. Algorithms developed to predict the effect of missense changes on protein structure and function are either unavailable or do not agree on the potential impact of this missense change (SIFT: "Deleterious"; PolyPhen-2: "Not Available"; Align-GVGD: "Class C55"). In summary, the available evidence is currently insufficient to determine the role of this variant in disease. Therefore, it has been classified as a Variant of Uncertain Significance. This variant is not present in population databases (gnomAD no frequency). This sequence change replaces serine, which is neutral and polar, with threonine, which is neutral and polar, at codon 1131 of the CLTC protein (p.Ser1131Thr).

NM_004859.4(CLTC):c.3379T>A (p.Ser1127Thr)

Gene: CLTC (clathrin heavy chain; plus strand). Cytogenetic location: 17q23.1.
Variant type: single nucleotide variant.
Coding change: c.3379T>A on transcript NM_004859.4 (MANE Select); coding-DNA position 3379, T replaced by A.
Protein change: p.Ser1127Thr; replaces serine 1127 with threonine.
Molecular consequence: missense variant.
Genome position (GRCh38, 1-based): chr17:59,681,776, T>A. VCF-style: chr17-59681776-T-A. GRCh37 (hg19) VCF-style: chr17-57759137-T-A.
Other names: c.3391T>A, p.Ser1131Thr (NM_001288653.2); c.3391T>A (NM_001288653.1); short protein forms S1127T, S1131T.
Identifiers: ClinVar variation 1720928 (VCV001720928.6), dbSNP rs2509151705, ClinGen allele CA400417664.